The following is an entry in ClinVar:

NM_023110.3(FGFR1):c.1952T>G (p.Ile651Ser)

Gene: FGFR1 (fibroblast growth factor receptor 1; minus strand). Cytogenetic location: 8p11.23.
Variant type: single nucleotide variant.
Coding change: c.1952T>G on transcript NM_023110.3 (MANE Select); coding-DNA position 1952, T replaced by G.
Protein change: p.Ile651Ser; replaces isoleucine 651 with serine.
Molecular consequence: missense variant.
Genome position (GRCh38, 1-based): chr8:38,414,804, A>C on the plus strand (T>G on the coding strand, the complement: FGFR1 is on the minus strand). VCF-style: chr8-38414804-A-C. GRCh37 (hg19) VCF-style: chr8-38272322-A-C.
Other names: c.1679T>G, p.Ile560Ser (NM_001354370.2, NM_023106.3); c.1940T>G, p.Ile647Ser (NM_001410922.1, NM_001354369.2); c.1946T>G, p.Ile649Ser (NM_015850.4, NM_001174063.2, NM_001174065.2 and 1 more transcripts); c.1685T>G, p.Ile562Ser (NM_023105.3, NM_001174066.2); c.1922T>G, p.Ile641Ser (NM_001174064.2); c.2045T>G, p.Ile682Ser (NM_001174067.2); c.1673T>G, p.Ile558Ser (NM_001354368.2); short protein forms I558S, I560S, I562S, I641S, I647S, I649S, I651S, I682S.
Identifiers: ClinVar variation 4530546 (VCV004530546.1).

ClinVar aggregate classification (somatic clinical impact): Tier I - Strong (1 of 4 stars; one submission).

Conditions:
Dysembryoplastic neuroepithelial tumor. Identifiers: Orphanet 251946, MedGen C1266177, MONDO:0005505, HP:0033703.

Submission:

Institute for Genomic Medicine (IGM) Clinical Laboratory, Nationwide Children's Hospital
Classification: Tier I - Strong for Dysembryoplastic neuroepithelial tumor. Assertion type: diagnostic. Clinical significance: supports diagnosis. Last evaluated: 2022-12-20. Review status: criteria provided, single submitter. Criteria: AMP/ASCO/CAP Guidelines, 2017. Collection method: clinical testing. Allele origin: somatic. Affected: yes.
Comment: Variant has Tier I (strong) clinical significance as a diagnostic inclusion criterion in dysembryoplastic neuroepithelial tumor, based on the following evidence: 1) Appears in one or more well-established professional guidelines (e.g., World Health Organization [WHO]; National Comprehensive Cancer Network [NCCN]) as providing diagnostic, prognostic, or therapeutic information. 2) Diagnostic for a specific tumor type/classification according to professional guidelines (Evidence Level A; PMIDs: 26810070, 26920151, 30825062, 35836307).

Literature cited by the submitters: PubMed 26810070; PubMed 26920151; PubMed 30825062; PubMed 35836307.